The following is an entry in ClinVar:

NM_053025.4(MYLK):c.4493A>G (p.Tyr1498Cys)

Gene: MYLK (myosin light chain kinase; minus strand). Cytogenetic location: 3q21.1.
Variant type: single nucleotide variant.
Coding change: c.4493A>G on transcript NM_053025.4 (MANE Select); coding-DNA position 4493, A replaced by G.
Protein change: p.Tyr1498Cys; replaces tyrosine 1498 with cysteine.
Molecular consequence: missense variant.
Genome position (GRCh38, 1-based): chr3:123,647,350, T>C on the plus strand (A>G on the coding strand, the complement: MYLK is on the minus strand). VCF-style: chr3-123647350-T-C. GRCh37 (hg19) VCF-style: chr3-123366197-T-C.
Other names: c.3965A>G, p.Tyr1322Cys (NM_001321309.2); c.4286A>G, p.Tyr1429Cys (NM_053026.4, NM_053028.4); c.4493A>G, p.Tyr1498Cys (NM_053027.4); short protein forms Y1322C, Y1429C, Y1498C.
Identifiers: ClinVar variation 2115635 (VCV002115635.4), dbSNP rs2473365226, ClinGen allele CA354227229.
Genomic context (GRCh38, chr3:123,647,350, plus strand): 5'-TGGTGGAGGCAGTTCATGATGCTAATCTCCTGCCGGATATTCTCTTTCTCTTTTGCTGAA[T>C]ATGCCTTGAAGAACTTCCCTGCCCAGACTTTTCGAGTTTTCTTTTCTACAAGTCGAAAGA-3'
Protein context (NP_444253.3, residues 1488-1508): KVWAGKFFKA[Tyr1498Cys]SAKEKENIRQ

ClinVar aggregate classification (germline): Uncertain significance (1 of 4 stars; one submission).

Conditions:
Aortic aneurysm, familial thoracic 7 (AAT7). Also called: AORTIC DISSECTION, FAMILIAL, WITH OR WITHOUT AORTIC ANEURYSM. Identifiers: MedGen C3151077, MONDO:0013418, OMIM 613780.

Submission:

Labcorp Genetics (formerly Invitae), Labcorp
Classification: Uncertain significance for Aortic aneurysm, familial thoracic 7. Last evaluated: 2022-03-21. Review status: criteria provided, single submitter. Criteria: Invitae Variant Classification Sherloc (09022015). Collection method: clinical testing. Allele origin: germline.
Comment: Advanced modeling of protein sequence and biophysical properties (such as structural, functional, and spatial information, amino acid conservation, physicochemical variation, residue mobility, and thermodynamic stability) performed at Invitae indicates that this missense variant is not expected to disrupt MYLK protein function. This variant has not been reported in the literature in individuals affected with MYLK-related conditions. This variant is not present in population databases (gnomAD no frequency). This sequence change replaces tyrosine, which is neutral and polar, with cysteine, which is neutral and slightly polar, at codon 1498 of the MYLK protein (p.Tyr1498Cys). In summary, the available evidence is currently insufficient to determine the role of this variant in disease. Therefore, it has been classified as a Variant of Uncertain Significance.